The following is an entry in ClinVar:

ClinVar aggregate classification (germline): Conflicting classifications of pathogenicity. Review status: criteria provided, conflicting classifications (1 of 4 stars). 2 submissions from 2 submitters: Uncertain significance (1); Benign (1). Last evaluated 2024-07-30.

Conditions:
Familial hypobetalipoproteinemia 1. Also called: Hypobetalipoproteinemia, normotriglyceridemic; Acanthocytosis with hypobetalipoproteinemia; APOB-Related Familial Hypobetalipoproteinemia. Identifiers: MedGen C4551990, MONDO:0014252, OMIM 615558.
Hypercholesterolemia, autosomal dominant, type B (FHCL2). Also called: Familial Hypercholesterolemia Type B; HYPERCHOLESTEROLEMIA, FAMILIAL, DUE TO LIGAND-DEFECTIVE APOLIPOPROTEIN B; Familial hypercholesterolemia 2; APOB-Related Familial Hypercholesterolemia, Autosomal Dominant; APOLIPOPROTEIN B-100, FAMILIAL DEFECTIVE; APOLIPOPROTEIN B-100, FAMILIAL LIGAND-DEFECTIVE. Identifiers: MedGen C1704417, MONDO:0007751, OMIM 144010.
Cardiovascular phenotype. Identifiers: MedGen CN230736.

Allele frequency attached by ClinVar (database versions not stated): gnomAD 0.00003; gnomAD exomes 0.00004; TOPMed 0.00005; ExAC 0.00006; ESP Exome Variant Server 0.00008; 1000 Genomes Project 30x 0.00016; 1000 Genomes Project 0.00020.
gnomAD v4.1: 25 of 1,614,198 alleles (0.0015%); highest among the groups gnomAD compares: Admixed American, 0.017%; no homozygotes.

Submissions (2):

Ambry Genetics
Classification: Uncertain significance for Cardiovascular phenotype. Last evaluated: 2024-07-30. Review status: criteria provided, single submitter. Criteria: Ambry Variant Classification Scheme 2023. Collection method: clinical testing. Allele origin: germline.
Comment: The p.T1360M variant (also known as c.4079C>T), located in coding exon 25 of the APOB gene, results from a C to T substitution at nucleotide position 4079. The threonine at codon 1360 is replaced by methionine, an amino acid with similar properties. This amino acid position is conserved. In addition, this alteration is predicted to be tolerated by in silico analysis. Based on the available evidence, the clinical significance of this variant remains unclear.

Labcorp Genetics (formerly Invitae), Labcorp
Classification: Benign for Familial hypobetalipoproteinemia 1; Hypercholesterolemia, autosomal dominant, type B. Last evaluated: 2024-06-04. Review status: criteria provided, single submitter. Criteria: Invitae Variant Classification Sherloc (09022015). Collection method: clinical testing. Allele origin: germline.

NM_000384.3(APOB):c.4079C>T (p.Thr1360Met)

Gene: APOB (apolipoprotein B; minus strand). Cytogenetic location: 2p24.1.
Variant type: single nucleotide variant.
Coding change: c.4079C>T on transcript NM_000384.3 (MANE Select); coding-DNA position 4079, C replaced by T.
Protein change: p.Thr1360Met; replaces threonine 1360 with methionine.
Molecular consequence: missense variant.
Genome position (GRCh38, 1-based): chr2:21,013,297, G>A on the plus strand (C>T on the coding strand, the complement: APOB is on the minus strand). VCF-style: chr2-21013297-G-A. GRCh37 (hg19) VCF-style: chr2-21236169-G-A.
Other names: short protein forms T1360M.
Identifiers: ClinVar variation 925567 (VCV000925567.9), dbSNP rs368779816, ClinGen allele CA060447.